The following is an entry in ClinVar:

ClinVar aggregate classification (germline): Uncertain significance. Review status: criteria provided, multiple submitters, no conflicts (2 of 4 stars). 2 submissions from 2 submitters: Uncertain significance (2). Last evaluated 2023-06-02.

Allele frequency attached by ClinVar (database versions not stated): gnomAD exomes below 0.00001; TOPMed 0.00001; ESP Exome Variant Server 0.00008.
gnomAD v4.1: 2 of 1,567,376 alleles (0.00013%); highest among the groups gnomAD compares: Non-Finnish European, 0.000087%; no homozygotes.

Submissions (2):

Labcorp Genetics (formerly Invitae), Labcorp
Classification: Uncertain significance. Last evaluated: 2023-06-02. Review status: criteria provided, single submitter. Criteria: Invitae Variant Classification Sherloc (09022015). Collection method: clinical testing. Allele origin: germline.
Comment: This sequence change replaces methionine, which is neutral and non-polar, with valine, which is neutral and non-polar, at codon 37 of the CYFIP2 protein (p.Met37Val). This variant is not present in population databases (gnomAD no frequency). This variant has not been reported in the literature in individuals affected with CYFIP2-related conditions. ClinVar contains an entry for this variant (Variation ID: 2136240). Experimental studies and prediction algorithms are not available or were not evaluated, and the functional significance of this variant is currently unknown. In summary, the available evidence is currently insufficient to determine the role of this variant in disease. Therefore, it has been classified as a Variant of Uncertain Significance.

GeneDx
Classification: Uncertain significance. Last evaluated: 2022-07-18. Review status: criteria provided, single submitter. Criteria: GeneDx Variant Classification Process June 2021. Collection method: clinical testing. Allele origin: germline. Affected: yes.
Comment: Not observed at significant frequency in large population cohorts (gnomAD); In silico analysis supports that this missense variant does not alter protein structure/function; Has not been previously published as pathogenic or benign to our knowledge

NM_001037333.3(CYFIP2):c.109A>G (p.Met37Val)

Gene: CYFIP2 (cytoplasmic FMR1 interacting protein 2; plus strand). Cytogenetic location: 5q33.3.
Variant type: single nucleotide variant.
Coding change: c.109A>G on transcript NM_001037333.3 (MANE Select); coding-DNA position 109, A replaced by G.
Protein change: p.Met37Val; replaces methionine 37 with valine.
Molecular consequence: missense variant.
Genome position (GRCh38, 1-based): chr5:157,285,470, A>G. VCF-style: chr5-157285470-A-G. GRCh37 (hg19) VCF-style: chr5-156712480-A-G.
Other names: c.109A>G, p.Met37Val (NM_001291721.2, NM_001291722.2, NM_014376.4); short protein forms M37V.
Identifiers: ClinVar variation 2136240 (VCV002136240.4), dbSNP rs371710290, ClinGen allele CA130143621.
Genomic context (GRCh38, chr5:157,285,470, plus strand): 5'-CTTGAAGAGCTTCCCCTCCCCGACCAGCAGCCATGCATCGAGCCTCCACCTTCCTCCATC[A>G]TGTACCAGGTAATGGAAATGGTAGATAGCACCAGGGGGCCCAGGAATTCTGGGGATCCCC-3'
Protein context (NP_001032410.1, residues 27-47): PCIEPPPSSI[Met37Val]YQANFDTNFE